The following is an entry in ClinVar:

NM_015910.7(WDPCP):c.2003C>T (p.Pro668Leu)

Gene: WDPCP (WD repeat containing planar cell polarity effector; minus strand). Cytogenetic location: 2p15.
Variant type: single nucleotide variant.
Coding change: c.2003C>T on transcript NM_015910.7 (MANE Select); coding-DNA position 2003, C replaced by T.
Protein change: p.Pro668Leu; replaces proline 668 with leucine.
Molecular consequence: missense variant. On other transcripts: non-coding transcript variant (3).
Genome position (GRCh38, 1-based): chr2:63,174,745, G>A on the plus strand (C>T on the coding strand, the complement: WDPCP is on the minus strand). VCF-style: chr2-63174745-G-A. GRCh37 (hg19) VCF-style: chr2-63401880-G-A.
Other names: c.1526C>T, p.Pro509Leu (NM_001042692.3); c.1931C>T, p.Pro644Leu (NM_001354044.2); short protein forms P644L, P668L, P509L.
Identifiers: ClinVar variation 1499461 (VCV001499461.5), dbSNP rs757409957, ClinGen allele CA1682032.

ClinVar aggregate classification (germline): Uncertain significance (1 of 4 stars; one submission).

Conditions:
Bardet-Biedl syndrome (BBS). Identifiers: Orphanet 110, MedGen C0752166, MONDO:0015229.

Allele frequency attached by ClinVar (database versions not stated): gnomAD 0.00001; gnomAD exomes 0.00001 and 0.00002; ExAC 0.00002.
gnomAD v4.1: 19 of 1,613,848 alleles (0.0012%); highest among the groups gnomAD compares: South Asian, 0.019%; no homozygotes.

Submission:

Labcorp Genetics (formerly Invitae), Labcorp
Classification: Uncertain significance for Bardet-Biedl syndrome. Last evaluated: 2021-09-01. Review status: criteria provided, single submitter. Criteria: Invitae Variant Classification Sherloc (09022015). Collection method: clinical testing. Allele origin: germline.
Comment: This sequence change replaces proline with leucine at codon 668 of the WDPCP protein (p.Pro668Leu). The proline residue is moderately conserved and there is a moderate physicochemical difference between proline and leucine. This variant is present in population databases (rs757409957, ExAC 0.02%). This variant has not been reported in the literature in individuals affected with WDPCP-related conditions. Algorithms developed to predict the effect of missense changes on protein structure and function output the following: SIFT: "Deleterious"; PolyPhen-2: "Benign"; Align-GVGD: "Class C0". The leucine amino acid residue is found in multiple mammalian species, which suggests that this missense change does not adversely affect protein function. In summary, the available evidence is currently insufficient to determine the role of this variant in disease. Therefore, it has been classified as a Variant of Uncertain Significance.